The following is an entry in ClinVar:

ClinVar aggregate classification (germline): Uncertain significance. Review status: criteria provided, multiple submitters, no conflicts (2 of 4 stars). 2 submissions from 2 submitters: Uncertain significance (2). Last evaluated 2025-10-02.

Allele frequency attached by ClinVar (database versions not stated): gnomAD 0.00001; gnomAD exomes 0.00001; TOPMed 0.00002.

Submissions (2):

Labcorp Genetics (formerly Invitae), Labcorp
Classification: Uncertain significance. Last evaluated: 2025-10-02. Review status: criteria provided, single submitter. Criteria: Invitae Variant Classification Sherloc (09022015). Collection method: clinical testing. Allele origin: germline.
Comment: This sequence change replaces tyrosine, which is neutral and polar, with aspartic acid, which is acidic and polar, at codon 62 of the OPN1SW protein (p.Tyr62Asp). This variant is present in population databases (no rsID available, gnomAD 0.009%). This variant has not been reported in the literature in individuals affected with OPN1SW-related conditions. ClinVar contains an entry for this variant (Variation ID: 1500043). An algorithm developed to predict the effect of missense changes on protein structure and function (PolyPhen-2) suggests that this variant is likely to be disruptive. In summary, the available evidence is currently insufficient to determine the role of this variant in disease. Therefore, it has been classified as a Variant of Uncertain Significance.

Blueprint Genetics
Classification: Uncertain significance. Last evaluated: 2022-09-09. Review status: criteria provided, single submitter. Criteria: ACMG Guidelines, 2015. Collection method: clinical testing. Allele origin: germline.

NM_001385125.1(OPN1SW):c.175T>G (p.Tyr59Asp)

Gene: OPN1SW (opsin 1, short wave sensitive; minus strand). Cytogenetic location: 7q32.1.
Variant type: single nucleotide variant.
Coding change: c.175T>G on transcript NM_001385125.1 (MANE Select); coding-DNA position 175, T replaced by G.
Protein change: p.Tyr59Asp; replaces tyrosine 59 with aspartic acid.
Molecular consequence: missense variant.
Genome position (GRCh38, 1-based): chr7:128,775,607, A>C on the plus strand (T>G on the coding strand, the complement: OPN1SW is on the minus strand). VCF-style: chr7-128775607-A-C. GRCh37 (hg19) VCF-style: chr7-128415661-A-C.
Other names: short protein forms Y59D.
Identifiers: ClinVar variation 1500043 (VCV001500043.9), dbSNP rs1212147484, ClinGen allele CA369222335.